The following is an entry in ClinVar:

ClinVar aggregate classification (germline): Uncertain significance. Review status: criteria provided, multiple submitters, no conflicts (2 of 4 stars). 2 submissions from 2 submitters: Uncertain significance (2). Last evaluated 2025-10-11.

Conditions:
Pierpont syndrome (PRPTS). Identifiers: Orphanet 487825, MedGen C1865644, MONDO:0011213, OMIM 602342.

gnomAD v4.1: 1 of 1,567,472 alleles (0.000064%); highest among the groups gnomAD compares: Non-Finnish European, 0.000087%; no homozygotes.

Submissions (2):

Labcorp Genetics (formerly Invitae), Labcorp
Classification: Uncertain significance for Pierpont syndrome. Last evaluated: 2025-10-11. Review status: criteria provided, single submitter. Criteria: Invitae Variant Classification Sherloc (09022015). Collection method: clinical testing. Allele origin: germline.
Comment: This sequence change replaces serine, which is neutral and polar, with asparagine, which is neutral and polar, at codon 318 of the TBL1XR1 protein (p.Ser318Asn). This variant is not present in population databases (gnomAD no frequency). This variant has not been reported in the literature in individuals affected with TBL1XR1-related conditions. ClinVar contains an entry for this variant (Variation ID: 3340353). Invitae Evidence Modeling of protein sequence and biophysical properties (such as structural, functional, and spatial information, amino acid conservation, physicochemical variation, residue mobility, and thermodynamic stability) indicates that this missense variant is not expected to disrupt TBL1XR1 protein function with a negative predictive value of 95%. In summary, the available evidence is currently insufficient to determine the role of this variant in disease. Therefore, it has been classified as a Variant of Uncertain Significance.

GeneDx
Classification: Uncertain significance. Last evaluated: 2023-09-29. Review status: criteria provided, single submitter. Criteria: GeneDx Variant Classification Process June 2021. Collection method: clinical testing. Allele origin: germline. Affected: yes.
Comment: Not observed at significant frequency in large population cohorts (gnomAD); In silico analysis supports that this missense variant does not alter protein structure/function; Has not been previously published as pathogenic or benign to our knowledge

NM_024665.7(TBL1XR1):c.953G>A (p.Ser318Asn)

Genes: TBL1XR1 (TBL1X/Y related 1; minus strand), TBL1XR1-AS1 (TBL1XR1 antisense RNA 1; plus strand), LOC126806878 (CDK7 strongly-dependent group 2 enhancer GRCh37_chr3:176755168-176756367; plus strand). Cytogenetic location: 3q26.32.
Variant type: single nucleotide variant.
Coding change: c.953G>A on transcript NM_024665.7 (MANE Select); coding-DNA position 953, G replaced by A.
Protein change: p.Ser318Asn; replaces serine 318 with asparagine.
Molecular consequence: missense variant. On other transcripts: non-coding transcript variant (1).
Genome position (GRCh38, 1-based): chr3:177,038,407, C>T on the plus strand (G>A on the coding strand, the complement: TBL1XR1 is on the minus strand). VCF-style: chr3-177038407-C-T. GRCh37 (hg19) VCF-style: chr3-176756195-C-T.
Other names: c.953G>A, p.Ser318Asn (NM_001321193.3, NM_001321194.3, NM_001374327.1 and 2 more transcripts); c.692G>A, p.Ser231Asn (NM_001321195.3, NM_001374330.1); short protein forms S231N, S318N.
Identifiers: ClinVar variation 3340353 (VCV003340353.2).